The following is an entry in ClinVar:

ClinVar aggregate classification (germline): Pathogenic (1 of 4 stars; one submission).

Submission:

Labcorp Genetics (formerly Invitae), Labcorp
Classification: Pathogenic. Last evaluated: 2025-05-27. Review status: criteria provided, single submitter. Criteria: Invitae Variant Classification Sherloc (09022015). Collection method: clinical testing. Allele origin: germline.
Comment: This sequence change affects an acceptor splice site in intron 13 of the PHEX gene. It is expected to disrupt RNA splicing. Variants that disrupt the donor or acceptor splice site typically lead to a loss of protein function (PMID: 16199547), and loss-of-function variants in PHEX are known to be pathogenic (PMID: 9097956, 9106524, 19219621). This variant is not present in population databases (gnomAD no frequency). Disruption of this splice site has been observed in individuals with hypophosphatemic rickets (PMID: 22577109, 23079138, 27840894). ClinVar contains an entry for this variant (Variation ID: 3661584). Algorithms developed to predict the effect of sequence changes on RNA splicing suggest that this variant may disrupt the consensus splice site. For these reasons, this variant has been classified as Pathogenic.

Literature cited by the submitters: PubMed 16199547; PubMed 9097956; PubMed 9106524; PubMed 19219621; PubMed 22577109; PubMed 23079138; PubMed 27840894.

NM_000444.6(PHEX):c.1483-1G>T

Gene: PHEX (phosphate regulating endopeptidase X-linked; plus strand). Cytogenetic location: Xp22.11.
Variant type: single nucleotide variant.
Coding change: c.1483-1G>T on transcript NM_000444.6 (MANE Select); the canonical splice acceptor site of the intron before coding-DNA position 1483, G replaced by T.
Molecular consequence: splice acceptor variant.
Genome position (GRCh38, 1-based): chrX:22,178,272, G>T. VCF-style: chrX-22178272-G-T. GRCh37 (hg19) VCF-style: chrX-22196389-G-T.
Other names: c.1483-1G>T (NM_001282754.2).
Identifiers: ClinVar variation 3661584 (VCV003661584.2).